The following is an entry in ClinVar:

ClinVar aggregate classification (germline): Likely benign (1 of 4 stars; one submission).

Submission:

CeGaT Center for Human Genetics Tuebingen
Classification: Likely benign. Last evaluated: 2025-03-01. Review status: criteria provided, single submitter. Criteria: CeGaT Center For Human Genetics Tuebingen Variant Classification Criteria Version 2. Collection method: clinical testing. Allele origin: germline. Affected: yes. Observed: 1 variant allele.
Comment: BRF1: PM2:Supporting, BP4, BP7

NM_001519.4(BRF1):c.1272A>C (p.Ser424=)

Gene: BRF1 (BRF1 general transcription factor IIIB subunit; minus strand). Cytogenetic location: 14q32.33.
Variant type: single nucleotide variant.
Coding change: c.1272A>C on transcript NM_001519.4 (MANE Select); coding-DNA position 1272, A replaced by C.
Protein change: p.Ser424=; no amino-acid change (serine 424 retained).
Molecular consequence: synonymous variant.
Genome position (GRCh38, 1-based): chr14:105,221,691, T>G on the plus strand (A>C on the coding strand, the complement: BRF1 is on the minus strand). VCF-style: chr14-105221691-T-G. GRCh37 (hg19) VCF-style: chr14-105688028-T-G.
Other names: c.927A>C, p.Ser309= (NM_001242786.2, NM_001242787.2); c.1191A>C, p.Ser397= (NM_001242788.2); c.558A>C, p.Ser186= (NM_001242789.2); c.660A>C, p.Ser220= (NM_145685.3).
Identifiers: ClinVar variation 3778030 (VCV003778030.7).